The following is an entry in ClinVar:

NM_001365536.1(SCN9A):c.2659C>T (p.Leu887Phe)

Genes: SCN9A (sodium voltage-gated channel alpha subunit 9; minus strand), SCN1A-AS1 (SCN1A and SCN9A antisense RNA 1; plus strand). Cytogenetic location: 2q24.3.
Variant type: single nucleotide variant.
Coding change: c.2659C>T on transcript NM_001365536.1 (MANE Select); coding-DNA position 2659, C replaced by T.
Protein change: p.Leu887Phe; replaces leucine 887 with phenylalanine.
Molecular consequence: missense variant. On other transcripts: non-coding transcript variant (1).
Genome position (GRCh38, 1-based): chr2:166,277,198, G>A on the plus strand (C>T on the coding strand, the complement: SCN9A is on the minus strand). VCF-style: chr2-166277198-G-A. GRCh37 (hg19) VCF-style: chr2-167133708-G-A.
Other names: c.2626C>T, p.Leu876Phe (NM_002977.4); short protein forms L876F, L887F.
Identifiers: ClinVar variation 1794000 (VCV001794000.8), dbSNP rs371899106, ClinGen allele CA59794669.

ClinVar aggregate classification (germline): Uncertain significance. Review status: criteria provided, multiple submitters, no conflicts (2 of 4 stars). 3 submissions from 3 submitters: Uncertain significance (3). Last evaluated 2025-12-15.

Conditions:
Neuropathy, hereditary sensory and autonomic, type 2A (HSAN2A). Also called: MORVAN DISEASE; NEUROPATHY, CONGENITAL SENSORY; NEUROPATHY, HEREDITARY SENSORY RADICULAR, AUTOSOMAL RECESSIVE; NEUROPATHY, HEREDITARY SENSORY, TYPE IIA; NEUROPATHY, PROGRESSIVE SENSORY, OF CHILDREN; ACROOSTEOLYSIS, GIACCAI TYPE. Identifiers: Orphanet 970, MedGen C2752089, MONDO:0024309, OMIM 201300.
Generalized epilepsy with febrile seizures plus, type 7 (GEFSP7). Also called: GEFS+, TYPE 7. Identifiers: Orphanet 36387, MedGen C2751778, MONDO:0013470, OMIM 613863.
Inborn genetic diseases. Identifiers: MedGen C0950123, MeSH D030342.

Allele frequency attached by ClinVar (database versions not stated): gnomAD 0.00001; gnomAD exomes 0.00001; TOPMed 0.00001; ESP Exome Variant Server 0.00008.
gnomAD v4.1: 21 of 1,613,960 alleles (0.0013%); highest among the groups gnomAD compares: Non-Finnish European, 0.0017%; no homozygotes.

Submissions (3):

Women's Health and Genetics/Laboratory Corporation of America, LabCorp
Classification: Uncertain significance. Last evaluated: 2025-12-15. Review status: criteria provided, single submitter. Criteria: LabCorp Variant Classification Summary - May 2015. Collection method: clinical testing. Allele origin: germline.
Comment: Variant summary: SCN9A c.2626C>T (p.Leu876Phe) results in a non-conservative amino acid change in the encoded protein sequence. Algorithms developed to predict the effect of missense changes on protein structure and function all suggest that this variant is likely to be disruptive. The variant allele was found at a frequency of 4e-06 in 251330 control chromosomes. The available data on variant occurrences in the general population are insufficient to allow any conclusion about variant significance. To our knowledge, no occurrence of c.2626C>T in individuals affected with SCN9A-related conditions and no experimental evidence demonstrating its impact on protein function have been reported. The following publication has been ascertained in the context of this evaluation (PMID: 26392352). ClinVar contains an entry for this variant (Variation ID: 1794000). Based on the evidence outlined above, the variant was classified as uncertain significance.

Labcorp Genetics (formerly Invitae), Labcorp
Classification: Uncertain significance for Neuropathy, hereditary sensory and autonomic, type 2A; Generalized epilepsy with febrile seizures plus, type 7. Last evaluated: 2025-03-26. Review status: criteria provided, single submitter. Criteria: Invitae Variant Classification Sherloc (09022015). Collection method: clinical testing. Allele origin: germline.
Comment: This sequence change replaces leucine, which is neutral and non-polar, with phenylalanine, which is neutral and non-polar, at codon 876 of the SCN9A protein (p.Leu876Phe). This variant is present in population databases (rs371899106, gnomAD 0.0009%). This variant has not been reported in the literature in individuals affected with SCN9A-related conditions. ClinVar contains an entry for this variant (Variation ID: 1794000). Invitae Evidence Modeling of protein sequence and biophysical properties (such as structural, functional, and spatial information, amino acid conservation, physicochemical variation, residue mobility, and thermodynamic stability) indicates that this missense variant is not expected to disrupt SCN9A protein function with a negative predictive value of 95%. In summary, the available evidence is currently insufficient to determine the role of this variant in disease. Therefore, it has been classified as a Variant of Uncertain Significance.

Ambry Genetics
Classification: Uncertain significance for Inborn genetic diseases. Last evaluated: 2019-11-05. Review status: criteria provided, single submitter. Criteria: Ambry Variant Classification Scheme 2023. Collection method: clinical testing. Allele origin: germline.
Comment: The p.L876F variant (also known as c.2626C>T), located in coding exon 15 of the SCN9A gene, results from a C to T substitution at nucleotide position 2626. The leucine at codon 876 is replaced by phenylalanine, an amino acid with highly similar properties. This amino acid position is highly conserved in available vertebrate species. In addition, this alteration is predicted to be deleterious by in silico analysis. Since supporting evidence is limited at this time, the clinical significance of this alteration remains unclear.

Literature cited by the submitters: PubMed 26392352 (cited by Women's Health and Genetics/Laboratory Corporation of America, LabCorp).